The following is an entry in ClinVar:

ClinVar aggregate classification (germline): Uncertain significance (1 of 4 stars; one submission).

Submission:

GeneDx
Classification: Uncertain significance. Last evaluated: 2023-12-12. Review status: criteria provided, single submitter. Criteria: GeneDx Variant Classification Process June 2021. Collection method: clinical testing. Allele origin: germline. Affected: yes.
Comment: Not observed at significant frequency in large population cohorts (gnomAD); In silico analysis supports that this missense variant does not alter protein structure/function; Has not been previously published as pathogenic or benign to our knowledge; This variant is associated with the following publications: (PMID: 21437237)

NM_000179.3(MSH6):c.814G>A (p.Glu272Lys)

Gene: MSH6 (mutS homolog 6; plus strand). Cytogenetic location: 2p16.3.
Variant type: single nucleotide variant.
Coding change: c.814G>A on transcript NM_000179.3 (MANE Select); coding-DNA position 814, G replaced by A.
Protein change: p.Glu272Lys; replaces glutamic acid 272 with lysine.
Molecular consequence: missense variant. On other transcripts: 5 prime UTR variant (9), non-coding transcript variant (4), intron variant (1).
Genome position (GRCh38, 1-based): chr2:47,798,797, G>A. VCF-style: chr2-47798797-G-A. GRCh37 (hg19) VCF-style: chr2-48025936-G-A.
Other names: c.424G>A, p.Glu142Lys (NM_001281492.2); c.-93G>A (NM_001281493.2, NM_001281494.2, NM_001406811.1 and 6 more transcripts); c.910G>A, p.Glu304Lys (NM_001406795.1, NM_001406802.1); c.814G>A, p.Glu272Lys (NM_001406796.1, NM_001406798.1, NM_001406800.1 and 4 more transcripts); c.517G>A, p.Glu173Lys (NM_001406797.1, NM_001406801.1, NM_001406805.1 and 10 more transcripts); c.289G>A, p.Glu97Lys (NM_001406799.1, NM_001406806.1, NM_001406807.1); c.736G>A, p.Glu246Lys (NM_001406804.1); c.820G>A, p.Glu274Lys (NM_001406813.1); and 2 more; short protein forms E142K, E173K, E216K, E246K, E272K, E274K, E304K, E97K.
Identifiers: ClinVar variation 3365380 (VCV003365380.1).